The following is an entry in ClinVar:

ClinVar aggregate classification (germline): Uncertain significance (1 of 4 stars; one submission).

Submission:

Ambry Genetics
Classification: Uncertain significance. Last evaluated: 2025-11-03. Review status: criteria provided, single submitter. Criteria: Ambry Variant Classification Scheme 2023. Collection method: clinical testing. Allele origin: germline.
Comment: The c.8792G>A (p.R2931H) alteration is located in exon 10 (coding exon 9) of the ZFHX4 gene. This alteration results from a G to A substitution at nucleotide position 8792, causing the arginine (R) at amino acid position 2931 to be replaced by a histidine (H). Based on data from gnomAD, the A allele has an overall frequency of <0.001% (0/248696) total alleles studied. The highest observed frequency was <0.001% (/) of alleles. Based on insufficient or conflicting evidence, the clinical significance of this alteration remains unclear.

NM_024721.5(ZFHX4):c.8792G>A (p.Arg2931His)

Gene: ZFHX4 (zinc finger homeobox 4; plus strand). Cytogenetic location: 8q21.13.
Variant type: single nucleotide variant.
Coding change: c.8792G>A on transcript NM_024721.5 (MANE Select); coding-DNA position 8792, G replaced by A.
Protein change: p.Arg2931His; replaces arginine 2931 with histidine.
Molecular consequence: missense variant.
Genome position (GRCh38, 1-based): chr8:76,855,713, G>A. VCF-style: chr8-76855713-G-A. GRCh37 (hg19) VCF-style: chr8-77767949-G-A.
Other names: c.8714G>A, p.Arg2905His (NM_001410934.1); short protein forms R2905H, R2931H.
Identifiers: ClinVar variation 4607513 (VCV004607513.1).